The following is an entry in ClinVar:

NM_004082.5(DCTN1):c.332C>A (p.Ser111Tyr)

Gene: DCTN1 (dynactin subunit 1; minus strand). Cytogenetic location: 2p13.1.
Variant type: single nucleotide variant.
Coding change: c.332C>A on transcript NM_004082.5 (MANE Select); coding-DNA position 332, C replaced by A.
Protein change: p.Ser111Tyr; replaces serine 111 with tyrosine.
Molecular consequence: missense variant. On other transcripts: non-coding transcript variant (1).
Genome position (GRCh38, 1-based): chr2:74,377,674, G>T on the plus strand (C>A on the coding strand, the complement: DCTN1 is on the minus strand). VCF-style: chr2-74377674-G-T. GRCh37 (hg19) VCF-style: chr2-74604801-G-T.
Other names: c.332C>A, p.Ser111Tyr (NM_001135040.3, NM_001190837.2); c.281C>A, p.Ser94Tyr (NM_001190836.2, NM_001378991.1, NM_001378992.1); short protein forms S94Y, S111Y.
Identifiers: ClinVar variation 1524055 (VCV001524055.6), dbSNP rs374419252, ClinGen allele CA1722551.
Genomic context (GRCh38, chr2:74,377,674, plus strand): 5'-TATGGGGAGGCAACTTTAAGTGGGTGGTTGTTACCTCTTTTGAGGACTTTTGAAGCAGAA[G>T]AATCAGGTGTCTCTGGGGAAGTAGTATCTGCTCCATCTTCAAATACCTGGATCTGAGGCC-3'
Protein context (NP_004073.2, residues 101-121): ADTTSPETPD[Ser111Tyr]SASKVLKREG

ClinVar aggregate classification (germline): Uncertain significance (1 of 4 stars; one submission).

Conditions:
Amyotrophic lateral sclerosis type 1 (ALS1). Also called: AMYOTROPHIC LATERAL SCLEROSIS 1, FAMILIAL. Identifiers: Orphanet 803, MedGen C1862939, MONDO:0007103, OMIM 105400.
Neuronopathy, distal hereditary motor, type 7B. Also called: NEURONOPATHY, DISTAL HEREDITARY MOTOR, AUTOSOMAL DOMINANT 14; NEURONOPATHY, DISTAL HEREDITARY MOTOR, HARDING TYPE VIIB; NEUROPATHY, DISTAL HEREDITARY MOTOR, HARDING TYPE VIIB; NEUROPATHY, DISTAL HEREDITARY MOTOR, WITH VOCAL CORD PARALYSIS, HARDING TYPE VIIB; Distal Hereditary Motor Neuronopathy Type 7B (dHMN7B); HMN VIIB. Identifiers: Orphanet 139589, MedGen C1843315, MONDO:0011879, OMIM 607641.
Perry syndrome. Also called: PARKINSONISM WITH ALVEOLAR HYPOVENTILATION AND MENTAL DEPRESSION. Identifiers: Orphanet 178509, MedGen C1868594, MONDO:0008201, OMIM 168605.

gnomAD v4.1: 1 of 1,614,166 alleles (0.000062%); highest among the groups gnomAD compares: Non-Finnish European, 0.000085%; no homozygotes.

Submission:

Labcorp Genetics (formerly Invitae), Labcorp
Classification: Uncertain significance for Amyotrophic lateral sclerosis type 1; Neuronopathy, distal hereditary motor, type 7B; Perry syndrome. Last evaluated: 2021-09-17. Review status: criteria provided, single submitter. Criteria: Invitae Variant Classification Sherloc (09022015). Collection method: clinical testing. Allele origin: germline.
Comment: In summary, the available evidence is currently insufficient to determine the role of this variant in disease. Therefore, it has been classified as a Variant of Uncertain Significance. Algorithms developed to predict the effect of missense changes on protein structure and function are either unavailable or do not agree on the potential impact of this missense change (SIFT: "Deleterious"; PolyPhen-2: "Possibly Damaging"; Align-GVGD: "Class C15"). This variant has not been reported in the literature in individuals affected with DCTN1-related conditions. This variant is present in population databases (rs374419252, ExAC 0.001%). This sequence change replaces serine with tyrosine at codon 111 of the DCTN1 protein (p.Ser111Tyr). The serine residue is highly conserved and there is a large physicochemical difference between serine and tyrosine.